The following is an entry in ClinVar:

NM_130811.4(SNAP25):c.589C>T (p.Gln197Ter)

Gene: SNAP25 (synaptosome associated protein 25; plus strand). Cytogenetic location: 20p12.2.
Variant type: single nucleotide variant.
Coding change: c.589C>T on transcript NM_130811.4 (MANE Select); coding-DNA position 589, C replaced by T.
Protein change: p.Gln197Ter; replaces glutamine 197 with a stop codon.
Molecular consequence: nonsense.
Genome position (GRCh38, 1-based): chr20:10,306,165, C>T. VCF-style: chr20-10306165-C-T. GRCh37 (hg19) VCF-style: chr20-10286813-C-T.
Other names: c.589C>T, p.Gln197Ter (NM_001322902.2, NM_001322903.2, NM_001322904.2 and 7 more transcripts); c.589C>T (NM_003081.3); short protein forms Q197*.
Identifiers: ClinVar variation 986340 (VCV000986340.7), dbSNP rs2064355122, ClinGen allele CA408266887.

ClinVar aggregate classification (germline): Likely pathogenic. Review status: criteria provided, multiple submitters, no conflicts (2 of 4 stars). 6 submissions from 6 submitters: Likely pathogenic (5). 1 of the submissions does not count toward it. Last evaluated 2023-05-31.

Conditions:
SNAP25-related disorder.
Neurodevelopmental disorder. Identifiers: MedGen C1535926, MeSH D065886, MONDO:0700092.
SNAP25-related early-onset developmental and epileptic encephalopathy.
Developmental and epileptic encephalopathy. Identifiers: MedGen C5779964, MONDO:0100620.
Congenital myasthenic syndrome 18. Also called: MYASTHENIC SYNDROME, CONGENITAL, 18, WITH INTELLECTUAL DISABILITY AND ATAXIA. Identifiers: Orphanet 590, MedGen C4225364, MONDO:0014590, OMIM 616330.

Submissions (6):

GeneDx
Classification: Likely pathogenic. Last evaluated: 2023-05-31. Review status: criteria provided, single submitter. Criteria: GeneDx Variant Classification Process June 2021. Collection method: clinical testing. Allele origin: germline. Affected: yes.
Comment: Not observed at significant frequency in large population cohorts (gnomAD); Nonsense variant predicted to result in protein truncation as the last 10 amino acids are lost, although loss-of-function variants have not been reported downstream of this position in the protein; This variant is associated with the following publications: (PMID: 36007526, 30724471, 33299146)

Breda Genetics srl
Classification: Likely pathogenic for SNAP25-related early-onset developmental and epileptic encephalopathy. Last evaluated: 2021-04-19. Review status: criteria provided, single submitter. Criteria: ACMG Guidelines, 2015. Collection method: clinical testing. Allele origin: germline. Inheritance: Autosomal dominant inheritance. Affected: yes. Observed: 1 variant allele, 1 heterozygote.
Comment: The variant c.589C>T (p.Gln197*) in the SNAP25 gene is reported as likely pathogenic for myasthenic syndrome, congenital, 18 in ClinVar (Variation ID: 986340). It creates a premature stop codon at amino acid position Gln197 which is likely to result in the alteration of the C-terminal end of the SNAP25 protein. There is no information on frequency in gnomAD or 1000 Genomes Project. In a very recent article, it is reported that de novo variants in SNAP25 cause an early-onset developmental and epileptic encephalopathy. The authors reported 19 individuals harboring heterozygous de novo missense or loss-of-function variants in SNAP25, determined to be pathogenic or likely pathogenic. Alten and colleagues (2021) reported the case of two affected siblings, who inherited a pathogenic variant in the SNAP25 gene from the unaffected mosaic father (PMID: 33147442).

Institute of Human Genetics, University of Leipzig Medical Center
Classification: Likely pathogenic for Early-infantile DEE. Last evaluated: 2020-07-15. Review status: criteria provided, single submitter. Criteria: ACMG Guidelines, 2015. Collection method: clinical testing. Allele origin: de novo. Affected: yes.
Comment: This variant was identified as de novo (maternity and paternity confirmed).

Victorian Clinical Genetics Services, Murdoch Childrens Research Institute
Classification: Likely pathogenic for Neurodevelopmental disorder. Last evaluated: 2020-07-02. Review status: criteria provided, single submitter. Criteria: ACMG Guidelines, 2015. Collection method: clinical testing. Allele origin: germline. Inheritance: Autosomal dominant inheritance. Affected: yes.
Comment: Based on the classification scheme VCGS_Germline_v1.3.3, this variant is classified as 4-Likely pathogenic. Following criteria are met: 0104 - Dominant negative is a likely mechanism of disease in this gene. Only 1 missense variant has been proven to exert a dominant-negative effect (PMID: 25381298). (I) 0107 - This gene is associated with autosomal dominant disease. (I) 0205 - Variant is predicted to result in a truncated protein (premature termination codon is NOT located at least 54 nucleotides upstream of the final exon-exon junction) with less than 1/3 of the protein sequence affected. This variant results in the loss of the last nine amino acids. (SP) 0251 - This variant is heterozygous. (I) 0301 - Variant is absent from gnomAD (both v2 and v3). (SP) 0501 – The amino acids affected by the truncation are highly conserved. (SP) 0600 - Variant is located in the annotated t-SNARE coiled-coil homology 2 domain (PDB) (I) 0705 - No comparable truncating variants have previous evidence for pathogenicity. No published evidence of truncating variants downstream. (I) 0807 - This variant has no previous evidence of pathogenicity. (I) 0905 - No published segregation evidence has been identified for this variant. (I) 1002 - This variant has moderate functional evidence supporting abnormal protein function. In vitro studies demonstrated the truncated protein (aa 1-197) resulted in reduced binding to G-beta-gamma and therefore reduction in vesicle fusion events (PMID: 15834421, 15044754). (SP) 1102 - Strong phenotype match for this individual. (SP) Legend: (SP) - Supporting pathogenic, (I) - Information, (SB) - Supporting benign

Rady Children's Institute for Genomic Medicine, Rady Children's Hospital San Diego
Classification: Likely pathogenic for MYASTHENIC SYNDROME, CONGENITAL, 18. Last evaluated: 2019-10-05. Review status: criteria provided, single submitter. Criteria: ACMG Guidelines, 2015. Collection method: clinical testing. Allele origin: germline. Affected: yes.
Comment: This nonsense variant found in exon 8 of 8 introduces a premature stop codon and is therefore predicted to result in loss of normal protein function. While this is not anticipated to result in nonsense mediated decay, it is expected to delete the last 10 amino acids of the SNAP25 protein. This variant has not been previously reported or functionally characterized in the literature to our knowledge. It is absent from the ExAC and gnomAD population databases and thus is presumed to be rare. This result was confirmed by Sanger sequencing. Analysis of the parental samples was negative for the variant, indicating this variant likely occurred as a de novo event. Based on the available evidence, the c.589C>T (p.Gln197Ter) variant is classified as Likely Pathogenic.

PreventionGenetics, part of Exact Sciences
Classification: Likely pathogenic for SNAP25-related condition. Last evaluated: 2024-08-08. Review status: no assertion criteria provided. Collection method: clinical testing. Allele origin: germline. Not counted in ClinVar's aggregate classification.
Comment: The SNAP25 c.589C>T variant is predicted to result in premature protein termination (p.Gln197*). This variant was reported as de novo in an individual with developmental encephalopathy (Klöckner et al. 2020. PubMed ID: 33299146). This variant was also reported in an additional individual with clinical features consistent with a SNAP25-related disorder and was reported to occur de novo (Subject ID 147, Table S8 and S9 in Kingsmore SF et al 2022. PubMed ID: 36007526; Rady Children's). This variant has not been reported in a large population database, indicating this variant is rare. This variant is reported in ClinVar as likely pathogenic by several outside laboratories. This variant is interpreted as likely pathogenic.

Literature cited by the submitters: PubMed 33299146 (cited by Breda Genetics srl and Institute of Human Genetics, University of Leipzig Medical Center); PubMed 33147442 (cited by Breda Genetics srl); PubMed 15044754 (cited by Victorian Clinical Genetics Services, Murdoch Childrens Research Institute); PubMed 15834421 (cited by Victorian Clinical Genetics Services, Murdoch Childrens Research Institute); PubMed 25381298 (cited by Victorian Clinical Genetics Services, Murdoch Childrens Research Institute).